The following is an entry in ClinVar:

ClinVar aggregate classification (germline): Uncertain significance (1 of 4 stars; one submission).

Conditions:
Perlman syndrome (PRLMNS). Identifiers: Orphanet 2849, MedGen C0796113, MONDO:0009965, OMIM 267000.

Submission:

Labcorp Genetics (formerly Invitae), Labcorp
Classification: Uncertain significance for Perlman syndrome. Last evaluated: 2023-12-20. Review status: criteria provided, single submitter. Criteria: Invitae Variant Classification Sherloc (09022015). Collection method: clinical testing. Allele origin: germline.
Comment: This sequence change replaces glycine, which is neutral and non-polar, with alanine, which is neutral and non-polar, at codon 24 of the DIS3L2 protein (p.Gly24Ala). This variant is not present in population databases (gnomAD no frequency). This variant has not been reported in the literature in individuals affected with DIS3L2-related conditions. An algorithm developed to predict the effect of missense changes on protein structure and function (PolyPhen-2) suggests that this variant is likely to be tolerated. In summary, the available evidence is currently insufficient to determine the role of this variant in disease. Therefore, it has been classified as a Variant of Uncertain Significance.

NM_152383.5(DIS3L2):c.71G>C (p.Gly24Ala)

Gene: DIS3L2 (DIS3 like 3'-5' exoribonuclease 2; plus strand). Cytogenetic location: 2q37.1.
Variant type: single nucleotide variant.
Coding change: c.71G>C on transcript NM_152383.5 (MANE Select); coding-DNA position 71, G replaced by C.
Protein change: p.Gly24Ala; replaces glycine 24 with alanine.
Molecular consequence: missense variant. On other transcripts: non-coding transcript variant (2).
Genome position (GRCh38, 1-based): chr2:232,015,532, G>C. VCF-style: chr2-232015532-G-C. GRCh37 (hg19) VCF-style: chr2-232880242-G-C.
Other names: c.71G>C, p.Gly24Ala (NM_001257281.2, NM_001257282.2); short protein forms G24A.
Identifiers: ClinVar variation 2911816 (VCV002911816.3), dbSNP rs2469595546, ClinGen allele CA351151844.
Genomic context (GRCh38, chr2:232,015,532, plus strand): 5'-AGATGTTTGAGGAAAGAGTTGATTGCTGCCTCCTGTTTCTAGGTGTGTCTGCTGTGGCTG[G>C]TCCACATGACATTGGTGCTTCGCCAGGTGACAAAAAGTCAAAGAACAGGTCCACACGAGG-3'
Protein context (NP_689596.4, residues 14-34): GTPRGVSAVA[Gly24Ala]PHDIGASPGD